The following is an entry in ClinVar:

ClinVar aggregate classification (germline): Uncertain significance. Review status: criteria provided, multiple submitters, no conflicts (2 of 4 stars). 2 submissions from 2 submitters: Uncertain significance (2). Last evaluated 2025-08-06.

Conditions:
Hereditary cancer-predisposing syndrome. Also called: Neoplastic Syndromes, Hereditary; Tumor predisposition; Hereditary neoplastic syndrome; Hereditary Cancer Syndrome. Identifiers: Orphanet 140162, MedGen C0027672, MeSH D009386, MONDO:0015356.

gnomAD v4.1: 1 of 1,614,070 alleles (0.000062%); highest among the groups gnomAD compares: South Asian, 0.0011%; no homozygotes.

Submissions (2):

Ambry Genetics
Classification: Uncertain significance for Hereditary cancer-predisposing syndrome. Last evaluated: 2025-08-06. Review status: criteria provided, single submitter. Criteria: Ambry Variant Classification Scheme 2023. Collection method: clinical testing. Allele origin: germline.
Comment: The p.D620H variant (also known as c.1858G>C), located in coding exon 13 of the MSH3 gene, results from a G to C substitution at nucleotide position 1858. The aspartic acid at codon 620 is replaced by histidine, an amino acid with similar properties. This amino acid position is highly conserved in available vertebrate species. In addition, this alteration is predicted to be deleterious by in silico analysis. Based on the available evidence, the clinical significance of this variant remains unclear.

Labcorp Genetics (formerly Invitae), Labcorp
Classification: Uncertain significance. Last evaluated: 2021-06-06. Review status: criteria provided, single submitter. Criteria: Invitae Variant Classification Sherloc (09022015). Collection method: clinical testing. Allele origin: germline.
Comment: This sequence change replaces aspartic acid with histidine at codon 620 of the MSH3 protein (p.Asp620His). The aspartic acid residue is highly conserved and there is a moderate physicochemical difference between aspartic acid and histidine. This variant is not present in population databases (ExAC no frequency). This variant has not been reported in the literature in individuals with MSH3-related conditions. Algorithms developed to predict the effect of missense changes on protein structure and function are either unavailable or do not agree on the potential impact of this missense change (SIFT: "Deleterious"; PolyPhen-2: "Probably Damaging"; Align-GVGD: "Class C0"). In summary, the available evidence is currently insufficient to determine the role of this variant in disease. Therefore, it has been classified as a Variant of Uncertain Significance.

NM_002439.5(MSH3):c.1858G>C (p.Asp620His)

Gene: MSH3 (mutS homolog 3; plus strand). Cytogenetic location: 5q14.1.
Variant type: single nucleotide variant.
Coding change: c.1858G>C on transcript NM_002439.5 (MANE Select); coding-DNA position 1858, G replaced by C.
Protein change: p.Asp620His; replaces aspartic acid 620 with histidine.
Molecular consequence: missense variant.
Genome position (GRCh38, 1-based): chr5:80,761,640, G>C. VCF-style: chr5-80761640-G-C. GRCh37 (hg19) VCF-style: chr5-80057459-G-C.
Other names: c.1858G>C (NM_002439.3); short protein forms D620H.
Identifiers: ClinVar variation 1356524 (VCV001356524.9), dbSNP rs200337887, ClinGen allele CA360276662.